The following is an entry in ClinVar:

ClinVar aggregate classification (germline): Benign. Review status: criteria provided, single submitter (1 of 4 stars). 2 submissions from 2 submitters: Benign (1). 1 of the submissions does not count toward it. Last evaluated 2025-06-01.

Conditions:
IARS2-related disorder. Also called: IARS2-related condition.

Submissions (2):

Labcorp Genetics (formerly Invitae), Labcorp
Classification: Benign. Last evaluated: 2025-06-01. Review status: criteria provided, single submitter. Criteria: Invitae Variant Classification Sherloc (09022015). Collection method: clinical testing. Allele origin: germline.

PreventionGenetics, part of Exact Sciences
Classification: Likely benign for IARS2-related condition. Last evaluated: 2021-02-26. Review status: no assertion criteria provided. Collection method: clinical testing. Allele origin: germline. Not counted in ClinVar's aggregate classification.
Comment: This variant is classified as likely benign based on ACMG/AMP sequence variant interpretation guidelines (Richards et al. 2015 PMID: 25741868, with internal and published modifications).

NM_018060.4(IARS2):c.551-3dup

Gene: IARS2 (isoleucyl-tRNA synthetase 2, mitochondrial; plus strand). Cytogenetic location: 1q41.
Variant type: Duplication.
Coding change: c.551-3dup on transcript NM_018060.4 (MANE Select); 3 bases into the intron before coding-DNA position 551, one base duplicated (T; older notation c.551-3dupT).
Molecular consequence: intron variant.
Genome position (GRCh38, 1-based): chr1:220,102,126, T duplicated; the last of 8 consecutive T bases (chr1:220,102,119-220,102,126); duplicating any one gives the same sequence. VCF-style (leftmost placement, unchanged base first): chr1-220102118-C-CT. GRCh37 (hg19) VCF-style: chr1-220275460-C-CT.
Identifiers: ClinVar variation 3054461 (VCV003054461.3), dbSNP rs574253271, ClinGen allele CA37539729.